The following is an entry in ClinVar:

ClinVar aggregate classification (germline): Uncertain significance. Review status: criteria provided, multiple submitters, no conflicts (2 of 4 stars). 2 submissions from 2 submitters: Uncertain significance (2). Last evaluated 2026-04-06.

Conditions:
Inborn genetic diseases. Identifiers: MedGen C0950123, MeSH D030342.
Bethlem myopathy 1A. Also called: MYOPATHY, BENIGN CONGENITAL, WITH CONTRACTURES; Bethlem myopathy 1; Bethlem Muscular Dystrophy. Identifiers: Orphanet 610, MedGen CN029274, MONDO:0024530, OMIM 158810.

Allele frequency attached by ClinVar (database versions not stated): gnomAD exomes below 0.00001 and 0.00002; TOPMed 0.00002; gnomAD 0.00001.
gnomAD v4.1: 25 of 1,613,406 alleles (0.0015%); highest among the groups gnomAD compares: Non-Finnish European, 0.0021%; no homozygotes.

Submissions (2):

Ambry Genetics
Classification: Uncertain significance for Inborn genetic diseases. Last evaluated: 2026-04-06. Review status: criteria provided, single submitter. Criteria: Ambry Variant Classification Scheme 2023. Collection method: clinical testing. Allele origin: germline.
Comment: The c.1742G>C (p.G581A) alteration is located in exon 27 (coding exon 27) of the COL6A1 gene. This alteration results from a G to C substitution at nucleotide position 1742, causing the glycine (G) at amino acid position 581 to be replaced by an alanine (A). Based on data from gnomAD, the C allele has an overall frequency of 0.001% (2/281204) total alleles studied. The highest observed frequency was 0.002% (2/128208) of European (non-Finnish) alleles. Based on insufficient or conflicting evidence, the clinical significance of this alteration remains unclear.

Labcorp Genetics (formerly Invitae), Labcorp
Classification: Uncertain significance for Bethlem myopathy 1A. Last evaluated: 2024-12-22. Review status: criteria provided, single submitter. Criteria: Invitae Variant Classification Sherloc (09022015). Collection method: clinical testing. Allele origin: germline.
Comment: This sequence change replaces glycine, which is neutral and non-polar, with alanine, which is neutral and non-polar, at codon 581 of the COL6A1 protein (p.Gly581Ala). This variant is present in population databases (no rsID available, gnomAD 0.002%). This variant has not been reported in the literature in individuals affected with COL6A1-related conditions. ClinVar contains an entry for this variant (Variation ID: 664934). An algorithm developed to predict the effect of missense changes on protein structure and function (PolyPhen-2) suggests that this variant is likely to be disruptive. This variant disrupts the triple helix domain of COL6A1. Glycine residues within the Gly-Xaa-Yaa repeats of the triple helix domain are required for the structure and stability of fibrillar collagens (PMID: 7695699, 8218237, 19344236). In COL6A1, variants at these glycine residues are significantly enriched in individuals with autosomal dominant disease (PMID: 15689448, 24038877) compared to the general population (ExAC). In summary, the available evidence is currently insufficient to determine the role of this variant in disease. Therefore, it has been classified as a Variant of Uncertain Significance.

Literature cited by the submitters: PubMed 7695699 (cited by Labcorp Genetics (formerly Invitae), Labcorp); PubMed 8218237 (cited by Labcorp Genetics (formerly Invitae), Labcorp); PubMed 19344236 (cited by Labcorp Genetics (formerly Invitae), Labcorp); PubMed 15689448 (cited by Labcorp Genetics (formerly Invitae), Labcorp); PubMed 24038877 (cited by Labcorp Genetics (formerly Invitae), Labcorp).

NM_001848.3(COL6A1):c.1742G>C (p.Gly581Ala)

Gene: COL6A1 (collagen type VI alpha 1 chain; plus strand). Cytogenetic location: 21q22.3.
Variant type: single nucleotide variant.
Coding change: c.1742G>C on transcript NM_001848.3 (MANE Select); coding-DNA position 1742, G replaced by C.
Protein change: p.Gly581Ala; replaces glycine 581 with alanine.
Molecular consequence: missense variant.
Genome position (GRCh38, 1-based): chr21:45,999,658, G>C. VCF-style: chr21-45999658-G-C. GRCh37 (hg19) VCF-style: chr21-47419572-G-C.
Other names: short protein forms G581A.
Identifiers: ClinVar variation 664934 (VCV000664934.12), dbSNP rs1462355816, ClinGen allele CA410530949.
Genomic context (GRCh38, chr21:45,999,658, plus strand): 5'-CTCAGGAAGCACAGTGGGCTCCTCACCCTCAGAGCTCCTCTACTCCGTTTCTCGGACAGG[G>C]ACCCCCAGGACACCAAGGACCGCCTGGGCCGGACGTAAGTGGGGCTCTGTGAACATTGCT-3'
Protein context (NP_001839.2, residues 571-591): KGYRGPEGPQ[Gly581Ala]PPGHQGPPGP